The following is an entry in ClinVar:

ClinVar aggregate classification (germline): Benign (0 of 4 stars; one submission).

Conditions:
ADRA2C-related disorder. Also called: ADRA2C-related condition.

Allele frequency attached by ClinVar (database versions not stated): TOPMed 0.17610; 1000 Genomes Project 30x 0.19097; gnomAD 0.19264; 1000 Genomes Project 0.19609; gnomAD exomes 0.20525; ExAC 0.41667.

Submission:

PreventionGenetics, part of Exact Sciences
Classification: Benign for ADRA2C-related condition. Last evaluated: 2019-11-15. Review status: no assertion criteria provided. Collection method: clinical testing. Allele origin: germline.
Comment: This variant is classified as benign based on ACMG/AMP sequence variant interpretation guidelines (Richards et al. 2015 PMID: 25741868, with internal and published modifications).

NM_000683.4(ADRA2C):c.996G>A (p.Ala332=)

Gene: ADRA2C (adrenoceptor alpha 2C; plus strand). Cytogenetic location: 4p16.3.
Variant type: single nucleotide variant.
Coding change: c.996G>A on transcript NM_000683.4 (MANE Select); coding-DNA position 996, G replaced by A.
Protein change: p.Ala332=; no amino-acid change (alanine 332 retained).
Molecular consequence: synonymous variant.
Genome position (GRCh38, 1-based): chr4:3,767,602, G>A. VCF-style: chr4-3767602-G-A. GRCh37 (hg19) VCF-style: chr4-3769329-G-A.
Identifiers: ClinVar variation 3060490 (VCV003060490.2), dbSNP rs185354316, ClinGen allele CA2830349.